The following is an entry in ClinVar:

ClinVar aggregate classification (germline): Conflicting classifications of pathogenicity. Review status: criteria provided, conflicting classifications (1 of 4 stars). 2 submissions from 2 submitters: Uncertain significance (1); Likely benign (1). Last evaluated 2025-11-19.

gnomAD v4.1: 48 of 1,539,228 alleles (0.0031%); highest among the groups gnomAD compares: Admixed American, 0.031%; no homozygotes.

Submissions (2):

Labcorp Genetics (formerly Invitae), Labcorp
Classification: Likely benign. Last evaluated: 2025-11-19. Review status: criteria provided, single submitter. Criteria: Invitae Variant Classification Sherloc (09022015). Collection method: clinical testing. Allele origin: germline.

Athena Diagnostics
Classification: Uncertain significance. Last evaluated: 2024-11-11. Review status: criteria provided, single submitter. Criteria: Athena Diagnostics Criteria. Collection method: clinical testing. Allele origin: unknown.
Comment: Available data are insufficient to determine the clinical significance of the variant at this time. The frequency of this variant in the general population is higher than would generally be expected for pathogenic variants in this gene. Polyphen and MutationTaster yielded discordant predictions regarding whether this amino acid change is damaging to the protein.

NM_000435.3(NOTCH3):c.6464G>A (p.Gly2155Glu)

Gene: NOTCH3 (notch receptor 3; minus strand). Cytogenetic location: 19p13.12.
Variant type: single nucleotide variant.
Coding change: c.6464G>A on transcript NM_000435.3 (MANE Select); coding-DNA position 6464, G replaced by A.
Protein change: p.Gly2155Glu; replaces glycine 2155 with glutamic acid.
Molecular consequence: missense variant.
Genome position (GRCh38, 1-based): chr19:15,161,164, C>T on the plus strand (G>A on the coding strand, the complement: NOTCH3 is on the minus strand). VCF-style: chr19-15161164-C-T. GRCh37 (hg19) VCF-style: chr19-15271975-C-T.
Other names: short protein forms G2155E.
Identifiers: ClinVar variation 3571978 (VCV003571978.3).